The following is an entry in ClinVar:

ClinVar aggregate classification (germline): Uncertain significance. Review status: criteria provided, single submitter (1 of 4 stars). 2 submissions from 2 submitters: Uncertain significance (1). 1 of the submissions does not count toward it. Last evaluated 2019-06-25.

Conditions:
Athabaskan severe combined immunodeficiency (SCIDA). Also called: Severe combined immunodeficiency, athabascan-type. Identifiers: MedGen C1865370.
Severe combined immunodeficiency due to DCLRE1C deficiency (RS-SCID). Also called: SCID, AUTOSOMAL RECESSIVE, T CELL-NEGATIVE, B CELL-NEGATIVE, NK CELL-POSITIVE, WITH SENSITIVITY TO IONIZING RADIATION. Identifiers: Orphanet 275, MedGen C1865371, MONDO:0011225, OMIM 602450.

Submissions (2):

Labcorp Genetics (formerly Invitae), Labcorp
Classification: Uncertain significance for Athabaskan severe combined immunodeficiency. Last evaluated: 2019-06-25. Review status: criteria provided, single submitter. Criteria: Invitae Variant Classification Sherloc (09022015). Collection method: clinical testing. Allele origin: germline.
Comment: In summary, the available evidence is currently insufficient to determine the role of this variant in disease. Therefore, it has been classified as a Variant of Uncertain Significance. Algorithms developed to predict the effect of missense changes on protein structure and function output the following: SIFT: "Tolerated"; PolyPhen-2: "Benign"; Align-GVGD: "Class C0". The glutamine amino acid residue is found in multiple mammalian species, suggesting that this missense change does not adversely affect protein function. These predictions have not been confirmed by published functional studies and their clinical significance is uncertain. This variant has not been reported in the literature in individuals with DCLRE1C-related conditions. This variant is not present in population databases (ExAC no frequency). This sequence change replaces glutamic acid with glutamine at codon 309 of the DCLRE1C protein (p.Glu309Gln). The glutamic acid residue is moderately conserved and there is a small physicochemical difference between glutamic acid and glutamine.

Natera, Inc.
Classification: Uncertain significance for Athabascan severe combined immunodeficiency. Last evaluated: 2025-01-27. Review status: no assertion criteria provided. Collection method: clinical testing. Allele origin: germline. Not counted in ClinVar's aggregate classification.

NM_001033855.3(DCLRE1C):c.925G>C (p.Glu309Gln)

Gene: DCLRE1C (DNA cross-link repair 1C; minus strand). Cytogenetic location: 10p13.
Variant type: single nucleotide variant.
Coding change: c.925G>C on transcript NM_001033855.3 (MANE Select); coding-DNA position 925, G replaced by C.
Protein change: p.Glu309Gln; replaces glutamic acid 309 with glutamine.
Molecular consequence: missense variant. On other transcripts: non-coding transcript variant (3).
Genome position (GRCh38, 1-based): chr10:14,926,890, C>G on the plus strand (G>C on the coding strand, the complement: DCLRE1C is on the minus strand). VCF-style: chr10-14926890-C-G. GRCh37 (hg19) VCF-style: chr10-14968889-C-G.
Other names: c.565G>C, p.Glu189Gln (NM_001033857.3, NM_001033858.3, NM_001289077.2 and 2 more transcripts); c.580G>C, p.Glu194Gln (NM_001289076.2, NM_001289078.2, NM_001350966.2 and 1 more transcripts); c.925G>C, p.Glu309Gln (NM_001350965.2); short protein forms E309Q, E194Q, E189Q.
Identifiers: ClinVar variation 952540 (VCV000952540.10), dbSNP rs1838087325, ClinGen allele CA376055784.